The following is an entry in ClinVar:

NM_206933.4(USH2A):c.9387T>G (p.Asp3129Glu)

Gene: USH2A (usherin; minus strand). Cytogenetic location: 1q41.
Variant type: single nucleotide variant.
Coding change: c.9387T>G on transcript NM_206933.4 (MANE Select); coding-DNA position 9387, T replaced by G.
Protein change: p.Asp3129Glu; replaces aspartic acid 3129 with glutamic acid.
Molecular consequence: missense variant.
Genome position (GRCh38, 1-based): chr1:215,817,180, A>C on the plus strand (T>G on the coding strand, the complement: USH2A is on the minus strand). VCF-style: chr1-215817180-A-C. GRCh37 (hg19) VCF-style: chr1-215990522-A-C.
Other names: short protein forms D3129E.
Identifiers: ClinVar variation 4888162 (VCV004888162.1).

ClinVar aggregate classification (germline): Uncertain significance (1 of 4 stars; one submission).

gnomAD v4.1: 6 of 1,612,044 alleles (0.00037%); highest among the groups gnomAD compares: African/African-American, 0.0067%; no homozygotes.

Submission:

GeneDx
Classification: Uncertain significance. Last evaluated: 2026-02-18. Review status: criteria provided, single submitter. Criteria: GeneDx Variant Classification Process June 2021. Collection method: clinical testing. Allele origin: germline.
Comment: In silico analysis suggests that this missense variant does not alter protein structure/function; Has not been previously published as pathogenic or benign to our knowledge